The following is an entry in ClinVar:

NM_001083961.2(WDR62):c.2523dup (p.Gly842fs)

Gene: WDR62 (WD repeat domain 62; plus strand). Cytogenetic location: 19q13.12.
Variant type: Duplication.
Coding change: c.2523dup on transcript NM_001083961.2 (MANE Select); coding-DNA position 2523, one base duplicated (A; older notation c.2523dupA).
Protein change: p.Gly842fs; shifts the reading frame from glycine 842.
Molecular consequence: frameshift variant.
Genome position (GRCh38, 1-based): chr19:36,099,401, A duplicated. VCF-style (leftmost placement, unchanged base first): chr19-36099400-T-TA. GRCh37 (hg19) VCF-style: chr19-36590302-T-TA.
Other names: c.2508dup, p.Gly837fs (NM_001411145.1); c.2523dup, p.Gly842fs (NM_001411146.1, NM_173636.5); c.2172dup, p.Gly725fs (NM_001411147.1); short protein forms G725fs, G837fs, G842fs.
Identifiers: ClinVar variation 4852470 (VCV004852470.1).

ClinVar aggregate classification (germline): Pathogenic (1 of 4 stars; one submission).

Conditions:
Microcephaly. Also called: Microcephaly (disease). Identifiers: MedGen C4551563, MONDO:0001149, HP:0000252.

Submission:

Clinical Genetics Laboratory, Skane University Hospital Lund
Classification: Pathogenic for Microcephaly. Last evaluated: 2026-06-02. Review status: criteria provided, single submitter. Criteria: ACMG Guidelines, 2015. Collection method: clinical testing. Allele origin: germline. Inheritance: Autosomal recessive inheritance. Affected: yes.
Comment: ACMG criteria applied: PVS1, PM2, PP4.